The following is an entry in ClinVar:

ClinVar aggregate classification (germline): Conflicting classifications of pathogenicity. Review status: criteria provided, conflicting classifications (1 of 4 stars). 3 submissions from 3 submitters: Uncertain significance (1); Likely benign (2). Last evaluated 2025-11-17.

Conditions:
Schuurs-Hoeijmakers syndrome. Also called: PACS1-Related Neurodevelopmental Disorder. Identifiers: Orphanet 329224, MedGen C3554343, MONDO:0014006, OMIM 615009.
Inborn genetic diseases. Identifiers: MedGen C0950123, MeSH D030342.

Allele frequency attached by ClinVar (database versions not stated): gnomAD 0.00003; gnomAD exomes 0.00002 and 0.00005; 1000 Genomes Project 0.00020; TOPMed 0.00003; ESP Exome Variant Server 0.00008; 1000 Genomes Project 30x 0.00016; ExAC 0.00002.
gnomAD v4.1: 76 of 1,614,188 alleles (0.0047%); highest among the groups gnomAD compares: Admixed American, 0.0067%; no homozygotes.

Submissions (3):

Labcorp Genetics (formerly Invitae), Labcorp
Classification: Uncertain significance for Schuurs-Hoeijmakers syndrome. Last evaluated: 2025-11-17. Review status: criteria provided, single submitter. Criteria: Invitae Variant Classification Sherloc (09022015). Collection method: clinical testing. Allele origin: germline.
Comment: This sequence change replaces threonine, which is neutral and polar, with serine, which is neutral and polar, at codon 776 of the PACS1 protein (p.Thr776Ser). This variant is present in population databases (rs140167187, gnomAD 0.005%). This variant has not been reported in the literature in individuals affected with PACS1-related conditions. ClinVar contains an entry for this variant (Variation ID: 1301252). Invitae Evidence Modeling of protein sequence and biophysical properties (such as structural, functional, and spatial information, amino acid conservation, physicochemical variation, residue mobility, and thermodynamic stability) indicates that this missense variant is not expected to disrupt PACS1 protein function with a negative predictive value of 80%. In summary, the available evidence is currently insufficient to determine the role of this variant in disease. Therefore, it has been classified as a Variant of Uncertain Significance.

Ambry Genetics
Classification: Likely benign for Inborn genetic diseases. Last evaluated: 2023-03-23. Review status: criteria provided, single submitter. Criteria: Ambry Variant Classification Scheme 2023. Collection method: clinical testing. Allele origin: germline.

GeneDx
Classification: Likely benign. Last evaluated: 2020-12-23. Review status: criteria provided, single submitter. Criteria: GeneDx Variant Classification Process June 2021. Collection method: clinical testing. Allele origin: germline. Affected: yes.

NM_018026.4(PACS1):c.2327C>G (p.Thr776Ser)

Gene: PACS1 (phosphofurin acidic cluster sorting protein 1; plus strand). Cytogenetic location: 11q13.2.
Variant type: single nucleotide variant.
Coding change: c.2327C>G on transcript NM_018026.4 (MANE Select); coding-DNA position 2327, C replaced by G.
Protein change: p.Thr776Ser; replaces threonine 776 with serine.
Molecular consequence: missense variant.
Genome position (GRCh38, 1-based): chr11:66,239,175, C>G. VCF-style: chr11-66239175-C-G. GRCh37 (hg19) VCF-style: chr11-66006646-C-G.
Other names: c.2327C>G (NM_018026.2); short protein forms T776S.
Identifiers: ClinVar variation 1301252 (VCV001301252.8), dbSNP rs140167187, ClinGen allele CA6116852.